The following is an entry in ClinVar:

ClinVar aggregate classification (germline): Uncertain significance (1 of 4 stars; one submission).

Submission:

Labcorp Genetics (formerly Invitae), Labcorp
Classification: Uncertain significance. Last evaluated: 2018-01-02. Review status: criteria provided, single submitter. Criteria: Invitae Variant Classification Sherloc (09022015). Collection method: clinical testing. Allele origin: germline.
Comment: In summary, the available evidence is currently insufficient to determine the role of this variant in disease. Therefore, it has been classified as a Variant of Uncertain Significance. Algorithms developed to predict the effect of missense changes on protein structure and function do not agree on the potential impact of this missense change (SIFT: "Deleterious"; PolyPhen-2: "Probably Damaging"; Align-GVGD: "Class C0"). This variant has not been reported in the literature in individuals with PLEKHM2-related disease. This variant is not present in population databases (ExAC no frequency). This sequence change replaces glutamine with proline at codon 825 of the PLEKHM2 protein (p.Gln825Pro). The glutamine residue is moderately conserved and there is a moderate physicochemical difference between glutamine and proline.

NM_015164.4(PLEKHM2):c.2474A>C (p.Gln825Pro)

Gene: PLEKHM2 (pleckstrin homology and RUN domain containing M2; plus strand). Cytogenetic location: 1p36.21.
Variant type: single nucleotide variant.
Coding change: c.2474A>C on transcript NM_015164.4 (MANE Select); coding-DNA position 2474, A replaced by C.
Protein change: p.Gln825Pro; replaces glutamine 825 with proline.
Molecular consequence: missense variant.
Genome position (GRCh38, 1-based): chr1:15,731,897, A>C. VCF-style: chr1-15731897-A-C. GRCh37 (hg19) VCF-style: chr1-16058392-A-C.
Other names: short protein forms Q825P.
Identifiers: ClinVar variation 574908 (VCV000574908.8), dbSNP rs1557663567, ClinGen allele CA338573029.